The following is an entry in ClinVar:

NM_138713.4(NFAT5):c.2590T>G (p.Phe864Val)

Gene: NFAT5 (nuclear factor of activated T cells 5; plus strand). Cytogenetic location: 16q22.1.
Variant type: single nucleotide variant.
Coding change: c.2590T>G on transcript NM_138713.4 (MANE Select); coding-DNA position 2590, T replaced by G.
Protein change: p.Phe864Val; replaces phenylalanine 864 with valine.
Molecular consequence: missense variant.
Genome position (GRCh38, 1-based): chr16:69,692,415, T>G. VCF-style: chr16-69692415-T-G. GRCh37 (hg19) VCF-style: chr16-69726318-T-G.
Other names: c.2587T>G, p.Phe863Val (NM_001113178.3); c.1915T>G, p.Phe639Val (NM_001367709.1); c.2536T>G, p.Phe846Val (NM_006599.4); c.2308T>G, p.Phe770Val (NM_138714.4, NM_173214.3, NM_173215.3); short protein forms F770V, F863V, F864V, F846V, F639V.
Identifiers: ClinVar variation 4721475 (VCV004721475.1).
Genomic context (GRCh38, chr16:69,692,415, plus strand): 5'-CTTAGTGCAGATATTTTTCAACAAGTCAGTCAAATTCAGAGTGGTGTAAGCCCTGGAATG[T>G]TTTCCTCAACAGAGCCAACAGTCCATACCAGACCAGATAATTTATTACCTGGAAGAGCTG-3'
Protein context (NP_619727.2, residues 854-874): QIQSGVSPGM[Phe864Val]SSTEPTVHTR

ClinVar aggregate classification (germline): Uncertain significance (1 of 4 stars; one submission).

Conditions:
Immunodeficiency. Identifiers: MedGen C0021051, MONDO:0021094, HP:0002721.

Submission:

Labcorp Genetics (formerly Invitae), Labcorp
Classification: Uncertain significance for Immunodeficiency. Last evaluated: 2025-08-10. Review status: criteria provided, single submitter. Criteria: Invitae Variant Classification Sherloc (09022015). Collection method: clinical testing. Allele origin: germline.
Comment: This sequence change replaces phenylalanine, which is neutral and non-polar, with valine, which is neutral and non-polar, at codon 770 of the NFAT5 protein (p.Phe770Val). This variant is not present in population databases (gnomAD no frequency). This variant has not been reported in the literature in individuals affected with NFAT5-related conditions. An algorithm developed to predict the effect of missense changes on protein structure and function (PolyPhen-2) suggests that this variant is likely to be disruptive. In summary, the available evidence is currently insufficient to determine the role of this variant in disease. Therefore, it has been classified as a Variant of Uncertain Significance.